The following is an entry in ClinVar:

NM_000478.6(ALPL):c.652del (p.Ile218fs)

Gene: ALPL (alkaline phosphatase, biomineralization associated; plus strand). Cytogenetic location: 1p36.12.
Variant type: Deletion.
Coding change: c.652del on transcript NM_000478.6 (MANE Select); coding-DNA position 652, one base deleted (A; older notation c.652delA).
Protein change: p.Ile218fs; shifts the reading frame from isoleucine 218.
Molecular consequence: frameshift variant.
Genome position (GRCh38, 1-based): chr1:21,568,107, A deleted. VCF-style (leftmost placement, unchanged base first): chr1-21568106-GA-G. GRCh37 (hg19) VCF-style: chr1-21894599-GA-G.
Other names: c.487del, p.Ile163fs (NM_001127501.4); c.421del, p.Ile141fs (NM_001177520.3); c.652del, p.Ile218fs (NM_001369803.2, NM_001369804.2, NM_001369805.2); short protein forms I141fs, I163fs, I218fs.
Identifiers: ClinVar variation 5015870 (VCV005015870.1).

ClinVar aggregate classification (germline): Pathogenic (1 of 4 stars; one submission).

Conditions:
Hypophosphatasia. Also called: Phosphoethanol-aminuria. Identifiers: Orphanet 436, MedGen C0020630, MeSH D007014, MONDO:0018570.

Submission:

Myriad Genetics, Inc.
Classification: Pathogenic for Hypophosphatasia. Last evaluated: 2026-05-03. Review status: criteria provided, single submitter. Criteria: Myriad Autosomal Dominant, Autosomal Recessive and X-Linked Classification Criteria (2023). Collection method: clinical testing. Allele origin: unknown.
Comment: NM_000478.4(ALPL):c.652delA(I218Sfs*59) is expected to be pathogenic in the context of hypophosphatasia. This variant is predicted to lead to an abnormal or absent protein product due to the creation of a premature termination codon in ALPL, a gene where loss-of-function variants are known to be pathogenic. Please note: this variant was assessed in the context of healthy population screening.